The following is an entry in ClinVar:

NM_001292063.2(OTOG):c.6256G>A (p.Gly2086Ser)

Gene: OTOG (otogelin; plus strand). Cytogenetic location: 11p15.1.
Variant type: single nucleotide variant.
Coding change: c.6256G>A on transcript NM_001292063.2 (MANE Select); coding-DNA position 6256, G replaced by A.
Protein change: p.Gly2086Ser; replaces glycine 2086 with serine.
Molecular consequence: missense variant.
Genome position (GRCh38, 1-based): chr11:17,612,294, G>A. VCF-style: chr11-17612294-G-A. GRCh37 (hg19) VCF-style: chr11-17633841-G-A.
Other names: c.6292G>A, p.Gly2098Ser (NM_001277269.2); short protein forms G2098S, G2086S.
Identifiers: ClinVar variation 1395078 (VCV001395078.8), dbSNP rs1380873439, ClinGen allele CA379803875.

ClinVar aggregate classification (germline): Uncertain significance (1 of 4 stars; one submission).

Submission:

Labcorp Genetics (formerly Invitae), Labcorp
Classification: Uncertain significance. Last evaluated: 2021-05-14. Review status: criteria provided, single submitter. Criteria: Invitae Variant Classification Sherloc (09022015). Collection method: clinical testing. Allele origin: germline.
Comment: This sequence change replaces glycine with serine at codon 2098 of the OTOG protein (p.Gly2098Ser). The glycine residue is moderately conserved and there is a small physicochemical difference between glycine and serine. The frequency data for this variant in the population databases is considered unreliable, as metrics indicate insufficient coverage at this position in the ExAC database. This variant has not been reported in the literature in individuals with OTOG-related conditions. Algorithms developed to predict the effect of missense changes on protein structure and function are either unavailable or do not agree on the potential impact of this missense change (SIFT: "Tolerated"; PolyPhen-2: "Possibly Damaging"; Align-GVGD: "Class C0"). In summary, the available evidence is currently insufficient to determine the role of this variant in disease. Therefore, it has been classified as a Variant of Uncertain Significance.